The following is an entry in ClinVar:

NM_032806.6(POMGNT2):c.1494C>T (p.Ser498=)

Gene: POMGNT2 (protein O-linked mannose N-acetylglucosaminyltransferase 2 (beta 1,4-); minus strand). Cytogenetic location: 3p22.1.
Variant type: single nucleotide variant.
Coding change: c.1494C>T on transcript NM_032806.6 (MANE Select); coding-DNA position 1494, C replaced by T.
Protein change: p.Ser498=; no amino-acid change (serine 498 retained).
Molecular consequence: synonymous variant.
Genome position (GRCh38, 1-based): chr3:43,079,938, G>A on the plus strand (C>T on the coding strand, the complement: POMGNT2 is on the minus strand). VCF-style: chr3-43079938-G-A. GRCh37 (hg19) VCF-style: chr3-43121430-G-A.
Identifiers: ClinVar variation 1597826 (VCV001597826.32), dbSNP rs751826847, ClinGen allele CA2339835.

ClinVar aggregate classification (germline): Likely benign. Review status: criteria provided, multiple submitters, no conflicts (2 of 4 stars). 2 submissions from 2 submitters: Likely benign (2). Last evaluated 2025-11-11.

Conditions:
Muscular dystrophy-dystroglycanopathy (congenital with brain and eye anomalies), type a, 8 (MDDGA8). Also called: WALKER-WARBURG SYNDROME OR MUSCLE-EYE-BRAIN DISEASE, GTDC2-RELATED. Identifiers: Orphanet 899, MedGen C3553813, MONDO:0013904, OMIM 614830.

Allele frequency attached by ClinVar (database versions not stated): ExAC 0.00001; gnomAD 0.00001; gnomAD exomes 0.00001.
gnomAD v4.1: 10 of 1,613,858 alleles (0.00062%); highest among the groups gnomAD compares: East Asian, 0.0045%; no homozygotes.

Submissions (2):

Labcorp Genetics (formerly Invitae), Labcorp
Classification: Likely benign for Muscular dystrophy-dystroglycanopathy (congenital with brain and eye anomalies), type a, 8. Last evaluated: 2025-11-11. Review status: criteria provided, single submitter. Criteria: Invitae Variant Classification Sherloc (09022015). Collection method: clinical testing. Allele origin: germline.

CeGaT Center for Human Genetics Tuebingen
Classification: Likely benign. Last evaluated: 2023-05-01. Review status: criteria provided, single submitter. Criteria: CeGaT Center For Human Genetics Tuebingen Variant Classification Criteria Version 2. Collection method: clinical testing. Allele origin: germline. Affected: yes. Observed: 1 variant allele.
Comment: POMGNT2: BP4, BP7